The following is an entry in ClinVar:

ClinVar aggregate classification (germline): Conflicting classifications of pathogenicity. Review status: criteria provided, conflicting classifications (1 of 4 stars). 5 submissions from 5 submitters: Uncertain significance (3); Likely benign (1). 1 of the submissions does not count toward it. Last evaluated 2026-01-19.

Conditions:
Usher syndrome type 1 (USH1). Also called: RETINITIS PIGMENTOSA AND CONGENITAL DEAFNESS. Identifiers: Orphanet 231169, Orphanet 886, MedGen C1568247, MONDO:0010168, OMIM 276900.
Usher syndrome type 1F (USH1F). Also called: USHER SYNDROME, TYPE IF. Identifiers: Orphanet 231169, Orphanet 886, MedGen C1865885, MONDO:0011186, OMIM 602083.

Allele frequency attached by ClinVar (database versions not stated): gnomAD 0.00003 and 0.00006; gnomAD exomes 0.00005 and 0.00009; TOPMed 0.00010; ExAC 0.00012; 1000 Genomes Project 30x 0.00047; 1000 Genomes Project 0.00060.
gnomAD v4.1: 86 of 1,610,328 alleles (0.0053%); highest among the groups gnomAD compares: East Asian, 0.15%; no homozygotes.

Submissions (5):

Labcorp Genetics (formerly Invitae), Labcorp
Classification: Likely benign. Last evaluated: 2026-01-19. Review status: criteria provided, single submitter. Criteria: Invitae Variant Classification Sherloc (09022015). Collection method: clinical testing. Allele origin: germline.

Blueprint Genetics
Classification: Uncertain significance. Last evaluated: 2024-01-22. Review status: criteria provided, single submitter. Criteria: ACMG Guidelines, 2015. Collection method: clinical testing. Allele origin: germline.

GeneDx
Classification: Uncertain significance. Last evaluated: 2023-06-01. Review status: criteria provided, single submitter. Criteria: GeneDx Variant Classification Process June 2021. Collection method: clinical testing. Allele origin: germline. Affected: yes.
Comment: Identified in a patient with apparently nonsyndromic retinitis pigmentosa in published literature (Liu et al., 2021); In silico analysis supports that this missense variant has a deleterious effect on protein structure/function; This variant is associated with the following publications: (PMID: 33090715)

Illumina Laboratory Services, Illumina
Classification: Uncertain significance for Usher syndrome type 1. Last evaluated: 2018-01-13. Review status: criteria provided, single submitter. Criteria: ICSL Variant Classification Criteria 13 December 2019. Collection method: clinical testing. Allele origin: germline.

Natera, Inc.
Classification: Uncertain significance for Usher syndrome type 1F. Last evaluated: 2020-04-15. Review status: no assertion criteria provided. Collection method: clinical testing. Allele origin: germline. Not counted in ClinVar's aggregate classification.

NM_001384140.1(PCDH15):c.146A>G (p.Glu49Gly)

Genes: PCDH15 (protocadherin related 15; minus strand), LOC105378311 (uncharacterized LOC105378311; plus strand). Cytogenetic location: 10q21.1.
Variant type: single nucleotide variant.
Coding change: c.146A>G on transcript NM_001384140.1 (MANE Select); coding-DNA position 146, A replaced by G.
Protein change: p.Glu49Gly; replaces glutamic acid 49 with glycine.
Molecular consequence: missense variant. On other transcripts: intron variant (3).
Genome position (GRCh38, 1-based): chr10:54,527,823, T>C on the plus strand (A>G on the coding strand, the complement: PCDH15 is on the minus strand). VCF-style: chr10-54527823-T-C. GRCh37 (hg19) VCF-style: chr10-56287583-T-C.
Other names: c.161A>G, p.Glu54Gly (NM_001142763.2, NM_001142769.4, NM_001142771.2); c.146A>G, p.Glu49Gly (NM_001142764.2, NM_001142765.2, NM_001142766.2 and 8 more transcripts); c.91+136349A>G (NM_001354404.2, NM_001142773.2, NM_001142768.2); short protein forms E49G, E54G.
Identifiers: ClinVar variation 880274 (VCV000880274.10), dbSNP rs184026653, ClinGen allele CA5506788.